The following is an entry in ClinVar:

ClinVar aggregate classification (germline): Uncertain significance (1 of 4 stars; one submission).

Conditions:
Familial thoracic aortic aneurysm and aortic dissection (TAAD). Also called: Thoracic aortic aneurysms and dissections. Identifiers: Orphanet 91387, MedGen C4707243, MONDO:0019625.

gnomAD v4.1: 1 of 1,613,816 alleles (0.000062%); highest among the groups gnomAD compares: Non-Finnish European, 0.000085%; no homozygotes.

Submission:

Color Diagnostics, LLC DBA Color Health
Classification: Uncertain significance for Familial thoracic aortic aneurysm and aortic dissection. Last evaluated: 2025-08-17. Review status: criteria provided, single submitter. Criteria: ACMG Guidelines, 2015. Collection method: clinical testing. Allele origin: germline.
Comment: This missense variant replaces serine with threonine at codon 560 of the COL3A1 protein. Computational prediction suggests that this variant may not impact protein structure and function. To our knowledge, functional studies have not been reported for this variant. This variant has not been reported in individuals affected with COL3A1-related disorders in the literature. This variant has not been identified in the general population by the Genome Aggregation Database (gnomAD). The available evidence is insufficient to determine the role of this variant in disease conclusively. Therefore, this variant is classified as a Variant of Uncertain Significance.

NM_000090.4(COL3A1):c.1679G>C (p.Ser560Thr)

Gene: COL3A1 (collagen type III alpha 1 chain; plus strand). Cytogenetic location: 2q32.2.
Variant type: single nucleotide variant.
Coding change: c.1679G>C on transcript NM_000090.4 (MANE Select); coding-DNA position 1679, G replaced by C.
Protein change: p.Ser560Thr; replaces serine 560 with threonine.
Molecular consequence: missense variant.
Genome position (GRCh38, 1-based): chr2:188,996,414, G>C. VCF-style: chr2-188996414-G-C. GRCh37 (hg19) VCF-style: chr2-189861140-G-C.
Other names: short protein forms S560T.
Identifiers: ClinVar variation 4756176 (VCV004756176.1).